The following is an entry in ClinVar:

ClinVar aggregate classification (germline): Conflicting classifications of pathogenicity. Review status: criteria provided, conflicting classifications (1 of 4 stars). 3 submissions from 3 submitters: Likely pathogenic (2); Uncertain significance (1). Last evaluated 2023-08-29.

Conditions:
Aarskog syndrome (AAS). Also called: Aarskog-Scott syndrome, X-linked; FGD1-Related Faciogenital Dysplasia (Aarskog-Scott Syndrome); FGDY; Aarskog Scott syndrome; Aarskog disease. Identifiers: Orphanet 915, MedGen C0175701, MONDO:0010589, OMIM 305400.

gnomAD v4.1: 1 of 1,175,867 alleles (0.000085%); highest among the groups gnomAD compares: South Asian, 0.0019%; no homozygotes.

Submissions (3):

GeneDx
Classification: Uncertain significance. Last evaluated: 2023-08-29. Review status: criteria provided, single submitter. Criteria: GeneDx Variant Classification Process June 2021. Collection method: clinical testing. Allele origin: germline. Affected: yes.
Comment: Not observed at significant frequency in large population cohorts (gnomAD); In silico analysis supports that this missense variant has a deleterious effect on protein structure/function; This variant is associated with the following publications: (PMID: 32959227)

Institute of Medical Genetics and Applied Genomics, University Hospital Tübingen
Classification: Likely pathogenic. Last evaluated: 2020-10-23. Review status: criteria provided, single submitter. Criteria: ACMG Guidelines, 2015. Collection method: clinical testing. Allele origin: germline. Inheritance: X-linked recessive inheritance. Affected: yes.

Center for Human Genetics, Inc
Classification: Likely pathogenic for Aarskog syndrome. Last evaluated: 2016-11-01. Review status: criteria provided, single submitter. Criteria: ACMG Guidelines, 2015. Collection method: clinical testing. Allele origin: germline. Affected: yes.

NM_004463.3(FGD1):c.1241C>T (p.Pro414Leu)

Gene: FGD1 (FYVE, RhoGEF and PH domain containing 1; minus strand). Cytogenetic location: Xp11.22.
Variant type: single nucleotide variant.
Coding change: c.1241C>T on transcript NM_004463.3 (MANE Select); coding-DNA position 1241, C replaced by T.
Protein change: p.Pro414Leu; replaces proline 414 with leucine.
Molecular consequence: missense variant.
Genome position (GRCh38, 1-based): chrX:54,467,883, G>A on the plus strand (C>T on the coding strand, the complement: FGD1 is on the minus strand). VCF-style: chrX-54467883-G-A. GRCh37 (hg19) VCF-style: chrX-54494316-G-A.
Other names: short protein forms P414L.
Identifiers: ClinVar variation 547365 (VCV000547365.4), dbSNP rs1557189455, ClinGen allele CA413246731.